The following is an entry in ClinVar:

NM_018052.5(VAC14):c.965A>C (p.Asn322Thr)

Gene: VAC14 (VAC14 component of PIKFYVE complex; minus strand). Cytogenetic location: 16q22.1.
Variant type: single nucleotide variant.
Coding change: c.965A>C on transcript NM_018052.5 (MANE Select); coding-DNA position 965, A replaced by C.
Protein change: p.Asn322Thr; replaces asparagine 322 with threonine.
Molecular consequence: missense variant.
Genome position (GRCh38, 1-based): chr16:70,780,921, T>G on the plus strand (A>C on the coding strand, the complement: VAC14 is on the minus strand). VCF-style: chr16-70780921-T-G. GRCh37 (hg19) VCF-style: chr16-70814824-T-G.
Other names: c.263A>C, p.Asn88Thr (NM_001351157.2); c.965A>C (NM_018052.3); short protein forms N322T, N88T.
Identifiers: ClinVar variation 1465236 (VCV001465236.4), dbSNP rs745504886, ClinGen allele CA8147872.

ClinVar aggregate classification (germline): Uncertain significance. Review status: criteria provided, multiple submitters, no conflicts (2 of 4 stars). 2 submissions from 2 submitters: Uncertain significance (2). Last evaluated 2024-11-27.

Conditions:
Inborn genetic diseases. Identifiers: MedGen C0950123, MeSH D030342.

gnomAD v4.1: 33 of 1,614,054 alleles (0.002%); highest among the groups gnomAD compares: Non-Finnish European, 0.0026%; no homozygotes.

Submissions (2):

Ambry Genetics
Classification: Uncertain significance for Inborn genetic diseases. Last evaluated: 2024-11-27. Review status: criteria provided, single submitter. Criteria: Ambry Variant Classification Scheme 2023. Collection method: clinical testing. Allele origin: germline.

Labcorp Genetics (formerly Invitae), Labcorp
Classification: Uncertain significance. Last evaluated: 2021-07-31. Review status: criteria provided, single submitter. Criteria: Invitae Variant Classification Sherloc (09022015). Collection method: clinical testing. Allele origin: germline.
Comment: This sequence change replaces asparagine with threonine at codon 322 of the VAC14 protein (p.Asn322Thr). The asparagine residue is moderately conserved and there is a small physicochemical difference between asparagine and threonine. This variant is present in population databases (rs745504886, ExAC 0.009%). This variant has not been reported in the literature in individuals affected with VAC14-related conditions. Algorithms developed to predict the effect of missense changes on protein structure and function (SIFT, PolyPhen-2, Align-GVGD) all suggest that this variant is likely to be tolerated. In summary, the available evidence is currently insufficient to determine the role of this variant in disease. Therefore, it has been classified as a Variant of Uncertain Significance.